The following is an entry in ClinVar:

ClinVar aggregate classification (germline): Pathogenic (1 of 4 stars; one submission).

Conditions:
Cockayne spectrum with or without cerebrooculofacioskeletal syndrome. Identifiers: MedGen CN315928, MONDO:0100506.

Submission:

Myriad Genetics, Inc.
Classification: Pathogenic for Cockayne spectrum with or without cerebrooculofacioskeletal syndrome. Last evaluated: 2024-05-09. Review status: criteria provided, single submitter. Criteria: Myriad Autosomal Dominant, Autosomal Recessive and X-Linked Classification Criteria (2023). Collection method: clinical testing. Allele origin: unknown.
Comment: NM_000124.2(ERCC6):c.1071delA(D358Tfs*2) is expected to be pathogenic in the context of ERCC6-related disorders. This variant is predicted to lead to an abnormal or absent protein product due to the creation of a premature termination codon in ERCC6, a gene where loss-of-function variants are known to be pathogenic. Please note: this variant was assessed in the context of healthy population screening.

NM_000124.4(ERCC6):c.1071del (p.Asp358fs)

Gene: ERCC6 (ERCC excision repair 6, chromatin remodeling factor; minus strand). Cytogenetic location: 10q11.23.
Variant type: Deletion.
Coding change: c.1071del on transcript NM_000124.4 (MANE Select); coding-DNA position 1071, one base deleted (A; older notation c.1071delA).
Protein change: p.Asp358fs; shifts the reading frame from aspartic acid 358.
Molecular consequence: frameshift variant.
Genome position (GRCh38, 1-based): chr10:49,524,359, T deleted on the plus strand (A on the coding strand, the reverse complement: ERCC6 is on the minus strand). VCF-style (leftmost placement, unchanged base first): chr10-49524358-CT-C. GRCh37 (hg19) VCF-style: chr10-50732404-CT-C.
Other names: c.1071del, p.Asp358fs (NM_001277058.2, NM_001277059.2, NM_001346440.2); short protein forms D358fs.
Identifiers: ClinVar variation 5014991 (VCV005014991.1).